The following is an entry in ClinVar:

NM_000158.4(GBE1):c.2052+2T>C

Gene: GBE1 (1,4-alpha-glucan branching enzyme 1; minus strand). Cytogenetic location: 3p12.2.
Variant type: single nucleotide variant.
Coding change: c.2052+2T>C on transcript NM_000158.4 (MANE Select); the canonical splice donor site of the intron after coding-DNA position 2052, T replaced by C.
Molecular consequence: splice donor variant.
Genome position (GRCh38, 1-based): chr3:81,499,108, A>G on the plus strand (T>C on the coding strand, the complement: GBE1 is on the minus strand). VCF-style: chr3-81499108-A-G. GRCh37 (hg19) VCF-style: chr3-81548259-A-G.
Identifiers: ClinVar variation 1501703 (VCV001501703.8), dbSNP rs375596642, ClinGen allele CA2499481.

ClinVar aggregate classification (germline): Likely pathogenic. Review status: criteria provided, multiple submitters, no conflicts (2 of 4 stars). 3 submissions from 3 submitters: Likely pathogenic (3). Last evaluated 2025-12-08.

Conditions:
Glycogen storage disease, type IV (GSD4). Also called: AMYLOPECTINOSIS; ANDERSEN DISEASE; BRANCHER DEFICIENCY; CIRRHOSIS, FAMILIAL, WITH DEPOSITION OF ABNORMAL GLYCOGEN; GBE1 DEFICIENCY; GLYCOGEN BRANCHING ENZYME DEFICIENCY. Identifiers: Orphanet 367, MedGen C0017923, MONDO:0009292, OMIM 232500.
Glycogen storage disease IV, classic hepatic. Also called: GSD IV, CLASSIC HEPATIC. Identifiers: MedGen C1856301.

Allele frequency attached by ClinVar (database versions not stated): gnomAD exomes below 0.00001; TOPMed 0.00002; ESP Exome Variant Server 0.00009; gnomAD 0.00001; ExAC 0.00002.
gnomAD v4.1: 4 of 1,514,918 alleles (0.00026%); highest among the groups gnomAD compares: African/African-American, 0.0014%; no homozygotes.

Submissions (3):

Labcorp Genetics (formerly Invitae), Labcorp
Classification: Likely pathogenic for Glycogen storage disease, type IV; Glycogen storage disease IV, classic hepatic. Last evaluated: 2025-12-08. Review status: criteria provided, single submitter. Criteria: Invitae Variant Classification Sherloc (09022015). Collection method: clinical testing. Allele origin: germline.
Comment: This sequence change affects a donor splice site in intron 15 of the GBE1 gene. While this variant is not anticipated to result in nonsense mediated decay, it likely alters RNA splicing and results in a disrupted protein product. This variant is present in population databases (rs375596642, gnomAD 0.007%). Disruption of this splice site has been observed in individual(s) with clinical features of glycogen storage disease type IV (PMID: 27546458). In at least one individual the data is consistent with being in trans (on the opposite chromosome) from a pathogenic variant. ClinVar contains an entry for this variant (Variation ID: 1501703). Variants that disrupt the consensus splice site are a relatively common cause of aberrant splicing (PMID: 17576681, 9536098). Algorithms developed to predict the effect of sequence changes on RNA splicing suggest that this variant may disrupt the consensus splice site. This variant disrupts a region of the GBE1 protein in which other variant(s) (p.Tyr686His) have been observed in individuals with GBE1-related conditions (PMID: 29379554). This suggests that this is a clinically significant region of the protein, and that variants that disrupt it are likely to be disease-causing. In summary, the currently available evidence indicates that the variant is pathogenic, but additional data are needed to prove that conclusively. Therefore, this variant has been classified as Likely Pathogenic.

Women's Health and Genetics/Laboratory Corporation of America, LabCorp
Classification: Likely pathogenic for Glycogen storage disease, type IV. Last evaluated: 2023-03-02. Review status: criteria provided, single submitter. Criteria: LabCorp Variant Classification Summary - May 2015. Collection method: clinical testing. Allele origin: germline.
Comment: Variant summary: GBE1 c.2052+2T>C is located in a canonical splice-site and is predicted to affect mRNA splicing resulting in a significantly altered protein due to either exon skipping, shortening, or inclusion of intronic material. The TraP (transcript-inferred pathogenicity) in silico prediction tool scores the variant as probably pathogenic. The variant was absent in 229956 control chromosomes. To our knowledge, no occurrence of c.2052+2T>C in individuals affected with Glycogen Storage Disease, Type IV and no experimental evidence demonstrating its impact on protein function have been reported. However, variants impacting the same splice site, namely c.2052+1G>A and c.2052+1G>T, have been reported in compound heterozygous individuals affected with GBE1-related disorders (PMIDs: 27546458, 26789422). One clinical diagnostic laboratory has submitted clinical-significance assessments for this variant to ClinVar after 2014 and classified the variant as likely pathogenic. Based on the evidence outlined above, the variant was classified as likely pathogenic.

Baylor Genetics
Classification: Likely pathogenic for Glycogen storage disease, type IV. Last evaluated: 2022-07-24. Review status: criteria provided, single submitter. Criteria: ACMG Guidelines, 2015. Collection method: clinical testing. Allele origin: unknown.

Literature cited by the submitters: PubMed 27546458 (cited by Labcorp Genetics (formerly Invitae), Labcorp); PubMed 17576681 (cited by Labcorp Genetics (formerly Invitae), Labcorp); PubMed 9536098 (cited by Labcorp Genetics (formerly Invitae), Labcorp); PubMed 29379554 (cited by Labcorp Genetics (formerly Invitae), Labcorp).